The following is an entry in ClinVar:

ClinVar aggregate classification (germline): Benign/Likely benign. Review status: criteria provided, multiple submitters, no conflicts (2 of 4 stars). 2 submissions from 2 submitters: Benign (1); Likely benign (1). Last evaluated 2025-02-01.

Allele frequency attached by ClinVar (database versions not stated): 1000 Genomes Project 30x 0.00125; 1000 Genomes Project 0.00140; ExAC 0.00229; gnomAD 0.00231 and 0.00244; TOPMed 0.00236; gnomAD exomes 0.00242; ESP Exome Variant Server 0.00261.
gnomAD v4.1: 4,680 of 1,564,452 alleles (0.3%); highest among the groups gnomAD compares: Non-Finnish European, 0.36%; 9 homozygotes.

Submissions (2):

CeGaT Center for Human Genetics Tuebingen
Classification: Likely benign. Last evaluated: 2025-02-01. Review status: criteria provided, single submitter. Criteria: CeGaT Center For Human Genetics Tuebingen Variant Classification Criteria Version 2. Collection method: clinical testing. Allele origin: germline. Affected: yes. Observed: 1 variant allele.
Comment: GPR35: BP4, BP7

Labcorp Genetics (formerly Invitae), Labcorp
Classification: Benign. Last evaluated: 2019-12-31. Review status: criteria provided, single submitter. Criteria: Invitae Variant Classification Sherloc (09022015). Collection method: clinical testing. Allele origin: germline.

NM_005301.5(GPR35):c.300G>A (p.Arg100=)

Genes: GPR35 (G protein-coupled receptor 35; plus strand), LOC122889014 (Sharpr-MPRA regulatory region 3769; plus strand). Cytogenetic location: 2q37.3.
Variant type: single nucleotide variant.
Coding change: c.300G>A on transcript NM_005301.5 (MANE Select); coding-DNA position 300, G replaced by A.
Protein change: p.Arg100=; no amino-acid change (arginine 100 retained).
Molecular consequence: synonymous variant.
Genome position (GRCh38, 1-based): chr2:240,630,252, G>A. VCF-style: chr2-240630252-G-A. GRCh37 (hg19) VCF-style: chr2-241569669-G-A.
Other names: c.393G>A, p.Arg131= (NM_001195381.3, NM_001195382.3, NM_001394730.1).
Identifiers: ClinVar variation 791125 (VCV000791125.17), dbSNP rs147336244, ClinGen allele CA2206237.